The following is an entry in ClinVar:

NM_001429.4(EP300):c.3573T>C (p.Tyr1191=)

Gene: EP300 (EP300 lysine acetyltransferase; plus strand). Cytogenetic location: 22q13.2.
Variant type: single nucleotide variant.
Coding change: c.3573T>C on transcript NM_001429.4 (MANE Select); coding-DNA position 3573, T replaced by C.
Protein change: p.Tyr1191=; no amino-acid change (tyrosine 1191 retained).
Molecular consequence: synonymous variant.
Genome position (GRCh38, 1-based): chr22:41,158,483, T>C. VCF-style: chr22-41158483-T-C. GRCh37 (hg19) VCF-style: chr22-41554487-T-C.
Other names: c.3495T>C, p.Tyr1165= (NM_001362843.2); c.3573T>C (NM_001429.3).
Identifiers: ClinVar variation 1555273 (VCV001555273.11), dbSNP rs565779970, ClinGen allele CA10253146.
Genomic context (GRCh38, chr22:41,158,483, plus strand): 5'-TCCACAGACACTGTGTTGCTACGGCAAACAGTTGTGCACAATACCTCGTGATGCCACTTA[T>C]TACAGTTACCAGAACAGGTAAGCTTGGCCAGGTGTGGACCATGGTCCATGTGTCCACATG-3'
Protein context (NP_001420.2, residues 1181-1201): QLCTIPRDAT[Tyr1191=]YSYQNRYHFC

ClinVar aggregate classification (germline): Likely benign. Review status: criteria provided, multiple submitters, no conflicts (2 of 4 stars). 3 submissions from 3 submitters: Likely benign (3). Last evaluated 2025-04-14.

Conditions:
Rubinstein-Taybi syndrome due to EP300 haploinsufficiency. Also called: RUBINSTEIN-TAYBI SYNDROME 2; EP300-Related Rubinstein-Taybi Syndrome. Identifiers: Orphanet 353284, Orphanet 783, MedGen C3150941, MONDO:0013364, OMIM 613684.
EP300-related disorder. Also called: EP300-related disorders; EP300-related condition.

Allele frequency attached by ClinVar (database versions not stated): TOPMed below 0.00001; gnomAD 0.00001; gnomAD exomes 0.00002 and 0.00003; ExAC 0.00003; 1000 Genomes Project 30x 0.00016; 1000 Genomes Project 0.00020.
gnomAD v4.1: 29 of 1,614,152 alleles (0.0018%); highest among the groups gnomAD compares: Middle Eastern, 0.016%; no homozygotes.

Submissions (3):

PreventionGenetics, part of Exact Sciences
Classification: Likely benign for EP300-related condition. Last evaluated: 2025-04-14. Review status: criteria provided, single submitter. Criteria: ACMG Guidelines, 2015. Collection method: clinical testing. Allele origin: germline.
Comment: This variant is classified as likely benign based on ACMG/AMP sequence variant interpretation guidelines (Richards et al. 2015 PMID: 25741868, with internal and published modifications).

Labcorp Genetics (formerly Invitae), Labcorp
Classification: Likely benign for Rubinstein-Taybi syndrome due to EP300 haploinsufficiency. Last evaluated: 2023-06-19. Review status: criteria provided, single submitter. Criteria: Invitae Variant Classification Sherloc (09022015). Collection method: clinical testing. Allele origin: germline.

Blueprint Genetics
Classification: Likely benign. Last evaluated: 2021-09-14. Review status: criteria provided, single submitter. Criteria: ACMG Guidelines, 2015. Collection method: clinical testing. Allele origin: germline.